The following is an entry in ClinVar:

ClinVar aggregate classification (germline): Uncertain significance (1 of 4 stars; one submission).

Conditions:
Familial hemiplegic migraine. Identifiers: MedGen C0338484, MONDO:0000700.

Submission:

Labcorp Genetics (formerly Invitae), Labcorp
Classification: Uncertain significance for Familial hemiplegic migraine. Last evaluated: 2020-11-04. Review status: criteria provided, single submitter. Criteria: Invitae Variant Classification Sherloc (09022015). Collection method: clinical testing. Allele origin: germline.
Comment: This sequence change replaces phenylalanine with leucine at codon 766 of the ATP1A2 protein (p.Phe766Leu). The phenylalanine residue is highly conserved and there is a small physicochemical difference between phenylalanine and leucine. This variant is not present in population databases (ExAC no frequency). This variant has not been reported in the literature in individuals with ATP1A2-related conditions. Algorithms developed to predict the effect of missense changes on protein structure and function are either unavailable or do not agree on the potential impact of this missense change (SIFT: "Deleterious"; PolyPhen-2: "Possibly Damaging"; Align-GVGD: "Class C15"). In summary, the available evidence is currently insufficient to determine the role of this variant in disease. Therefore, it has been classified as a Variant of Uncertain Significance.

NM_000702.4(ATP1A2):c.2298T>G (p.Phe766Leu)

Gene: ATP1A2 (ATPase Na+/K+ transporting subunit alpha 2; plus strand). Cytogenetic location: 1q23.2.
Variant type: single nucleotide variant.
Coding change: c.2298T>G on transcript NM_000702.4 (MANE Select); coding-DNA position 2298, T replaced by G.
Protein change: p.Phe766Leu; replaces phenylalanine 766 with leucine.
Molecular consequence: missense variant.
Genome position (GRCh38, 1-based): chr1:160,135,852, T>G. VCF-style: chr1-160135852-T-G. GRCh37 (hg19) VCF-style: chr1-160105642-T-G.
Other names: short protein forms F766L.
Identifiers: ClinVar variation 1496755 (VCV001496755.8), dbSNP rs2101995452, ClinGen allele CA343249969.